The following is an entry in ClinVar:

NM_001270508.2(TNFAIP3):c.914A>C (p.Glu305Ala)

Gene: TNFAIP3 (TNF alpha induced protein 3; plus strand). Cytogenetic location: 6q23.3.
Variant type: single nucleotide variant.
Coding change: c.914A>C on transcript NM_001270508.2 (MANE Select); coding-DNA position 914, A replaced by C.
Protein change: p.Glu305Ala; replaces glutamic acid 305 with alanine.
Molecular consequence: missense variant.
Genome position (GRCh38, 1-based): chr6:137,877,184, A>C. VCF-style: chr6-137877184-A-C. GRCh37 (hg19) VCF-style: chr6-138198321-A-C.
Other names: c.914A>C, p.Glu305Ala (NM_001270507.2, NM_006290.4); short protein forms E305A.
Identifiers: ClinVar variation 450115 (VCV000450115.9), dbSNP rs1199757092, ClinGen allele CA365787429.

ClinVar aggregate classification (germline): Uncertain significance. Review status: criteria provided, multiple submitters, no conflicts (2 of 4 stars). 2 submissions from 2 submitters: Uncertain significance (2). Last evaluated 2022-08-27.

Allele frequency attached by ClinVar (database versions not stated): TOPMed 0.00002.
gnomAD v4.1: 2 of 1,613,936 alleles (0.00012%); highest among the groups gnomAD compares: Non-Finnish European, 0.00017%; no homozygotes.

Submissions (2):

Labcorp Genetics (formerly Invitae), Labcorp
Classification: Uncertain significance. Last evaluated: 2022-08-27. Review status: criteria provided, single submitter. Criteria: Invitae Variant Classification Sherloc (09022015). Collection method: clinical testing. Allele origin: germline.
Comment: In summary, the available evidence is currently insufficient to determine the role of this variant in disease. Therefore, it has been classified as a Variant of Uncertain Significance. Algorithms developed to predict the effect of missense changes on protein structure and function are either unavailable or do not agree on the potential impact of this missense change (SIFT: "Tolerated"; PolyPhen-2: "Possibly Damaging"; Align-GVGD: "Class C0"). ClinVar contains an entry for this variant (Variation ID: 450115). This variant has not been reported in the literature in individuals affected with TNFAIP3-related conditions. This variant is present in population databases (no rsID available, gnomAD 0.0009%). This sequence change replaces glutamic acid, which is acidic and polar, with alanine, which is neutral and non-polar, at codon 305 of the TNFAIP3 protein (p.Glu305Ala).

GeneDx
Classification: Uncertain significance. Last evaluated: 2017-06-28. Review status: criteria provided, single submitter. Criteria: GeneDx Variant Classification (06012015). Collection method: clinical testing. Allele origin: germline. Affected: yes.
Comment: The E305A variant in the TNFAIP3 gene has not been reported previously as a pathogenic variant, nor as a benign variant, to our knowledge. The E305A variant is not observed in large population cohorts (Lek et al., 2016; 1000 Genomes Consortium et al., 2015; Exome Variant Server). The E305A variant is a non-conservative amino acid substitution, which is likely to impact secondary protein structure as these residues differ in polarity, charge, size and/or other properties. This substitution occurs at a position where amino acids with similar properties to Glutamic acid are tolerated across species. In silico analysis is inconsistent in its predictions as to whether or not the variant is damaging to the protein structure/function. We interpret E305A as a variant of uncertain significance.